The following is an entry in ClinVar:

NM_021729.6(VPS11):c.2381G>A (p.Arg794Gln)

Gene: VPS11 (VPS11 core subunit of CORVET and HOPS complexes; plus strand). Cytogenetic location: 11q23.3.
Variant type: single nucleotide variant.
Coding change: c.2381G>A on transcript NM_021729.6 (MANE Select); coding-DNA position 2381, G replaced by A.
Protein change: p.Arg794Gln; replaces arginine 794 with glutamine.
Molecular consequence: missense variant. On other transcripts: non-coding transcript variant (8).
Genome position (GRCh38, 1-based): chr11:119,079,243, G>A. VCF-style: chr11-119079243-G-A. GRCh37 (hg19) VCF-style: chr11-118949953-G-A.
Other names: c.2351G>A, p.Arg784Gln (NM_001290185.2); c.2393G>A, p.Arg798Gln (NM_001378218.1, NM_001378219.1); c.2366G>A, p.Arg789Gln (NM_001378220.1); c.2363G>A, p.Arg788Gln (NM_001378221.1); short protein forms R798Q, R788Q, R789Q, R784Q, R794Q.
Identifiers: ClinVar variation 1397244 (VCV001397244.5), dbSNP rs370850156, ClinGen allele CA6313692.

ClinVar aggregate classification (germline): Uncertain significance (1 of 4 stars; one submission).

Allele frequency attached by ClinVar (database versions not stated): gnomAD 0.00003; gnomAD exomes 0.00003 and 0.00007; TOPMed 0.00006; ESP Exome Variant Server 0.00008; ExAC 0.00012.

Submission:

Labcorp Genetics (formerly Invitae), Labcorp
Classification: Uncertain significance. Last evaluated: 2025-10-13. Review status: criteria provided, single submitter. Criteria: Invitae Variant Classification Sherloc (09022015). Collection method: clinical testing. Allele origin: germline.
Comment: This sequence change replaces arginine, which is basic and polar, with glutamine, which is neutral and polar, at codon 794 of the VPS11 protein (p.Arg794Gln). This variant is present in population databases (rs370850156, gnomAD 0.03%). This variant has not been reported in the literature in individuals affected with VPS11-related conditions. ClinVar contains an entry for this variant (Variation ID: 1397244). Invitae Evidence Modeling of protein sequence and biophysical properties (such as structural, functional, and spatial information, amino acid conservation, physicochemical variation, residue mobility, and thermodynamic stability) indicates that this missense variant is not expected to disrupt VPS11 protein function with a negative predictive value of 80%. In summary, the available evidence is currently insufficient to determine the role of this variant in disease. Therefore, it has been classified as a Variant of Uncertain Significance.